The following is an entry in ClinVar:

NM_001042545.2(LTBP4):c.2326C>G (p.Pro776Ala)

Gene: LTBP4 (latent transforming growth factor beta binding protein 4; plus strand). Cytogenetic location: 19q13.2.
Variant type: single nucleotide variant.
Coding change: c.2326C>G on transcript NM_001042545.2 (MANE Select); coding-DNA position 2326, C replaced by G.
Protein change: p.Pro776Ala; replaces proline 776 with alanine.
Molecular consequence: missense variant.
Genome position (GRCh38, 1-based): chr19:40,613,091, C>G. VCF-style: chr19-40613091-C-G. GRCh37 (hg19) VCF-style: chr19-41118997-C-G.
Other names: c.2527C>G, p.Pro843Ala (NM_001042544.1); c.2416C>G, p.Pro806Ala (NM_003573.2); short protein forms P776A, P806A, P843A.
Identifiers: ClinVar variation 2415219 (VCV002415219.5), dbSNP rs757916071, ClinGen allele CA9448636.
Genomic context (GRCh38, chr19:40,613,091, plus strand): 5'-CTGGACCCTTTCTGAACACCCCCACCCCCCACAGATGTGGACGAATGCAGTTCGGGTGCC[C>G]CTCCCTGTGGTCCCCACGGCCACTGCACTAACACCGAAGGCTCCTTCCGCTGCAGCTGCG-3'
Protein context (NP_001036010.1, residues 766-786): TDVDECSSGA[Pro776Ala]PCGPHGHCTN

ClinVar aggregate classification (germline): Uncertain significance (1 of 4 stars; one submission).

Allele frequency attached by ClinVar (database versions not stated): TOPMed 0.00001; gnomAD exomes 0.00003; ExAC 0.00006; gnomAD 0.00006.
gnomAD v4.1: 51 of 1,611,256 alleles (0.0032%); highest among the groups gnomAD compares: Non-Finnish European, 0.0042%; no homozygotes.

Submission:

Labcorp Genetics (formerly Invitae), Labcorp
Classification: Uncertain significance. Last evaluated: 2024-12-19. Review status: criteria provided, single submitter. Criteria: Invitae Variant Classification Sherloc (09022015). Collection method: clinical testing. Allele origin: germline.
Comment: This sequence change replaces proline, which is neutral and non-polar, with alanine, which is neutral and non-polar, at codon 806 of the LTBP4 protein (p.Pro806Ala). This variant is present in population databases (rs757916071, gnomAD 0.01%). This variant has not been reported in the literature in individuals affected with LTBP4-related conditions. ClinVar contains an entry for this variant (Variation ID: 2415219). Experimental studies and prediction algorithms are not available or were not evaluated, and the functional significance of this variant is currently unknown. In summary, the available evidence is currently insufficient to determine the role of this variant in disease. Therefore, it has been classified as a Variant of Uncertain Significance.